The following is an entry in ClinVar:

ClinVar aggregate classification (germline): Uncertain significance (1 of 4 stars; one submission).

Submission:

Labcorp Genetics (formerly Invitae), Labcorp
Classification: Uncertain significance. Last evaluated: 2022-09-27. Review status: criteria provided, single submitter. Criteria: Invitae Variant Classification Sherloc (09022015). Collection method: clinical testing. Allele origin: germline.
Comment: In summary, the available evidence is currently insufficient to determine the role of this variant in disease. Therefore, it has been classified as a Variant of Uncertain Significance. Algorithms developed to predict the effect of missense changes on protein structure and function (SIFT, PolyPhen-2, Align-GVGD) all suggest that this variant is likely to be disruptive. This variant has not been reported in the literature in individuals affected with RIMS1-related conditions. This variant is not present in population databases (gnomAD no frequency). This sequence change replaces lysine, which is basic and polar, with arginine, which is basic and polar, at codon 208 of the RIMS1 protein (p.Lys208Arg).

NM_014989.7(RIMS1):c.623A>G (p.Lys208Arg)

Gene: RIMS1 (regulating synaptic membrane exocytosis 1; plus strand). Cytogenetic location: 6q13.
Variant type: single nucleotide variant.
Coding change: c.623A>G on transcript NM_014989.7 (MANE Select); coding-DNA position 623, A replaced by G.
Protein change: p.Lys208Arg; replaces lysine 208 with arginine.
Molecular consequence: missense variant.
Genome position (GRCh38, 1-based): chr6:72,179,726, A>G. VCF-style: chr6-72179726-A-G. GRCh37 (hg19) VCF-style: chr6-72889429-A-G.
Other names: short protein forms K208R.
Identifiers: ClinVar variation 2006411 (VCV002006411.4), dbSNP rs2551800420, ClinGen allele CA364818550.